The following is an entry in ClinVar:

ClinVar aggregate classification (germline): Uncertain significance. Review status: criteria provided, multiple submitters, no conflicts (2 of 4 stars). 2 submissions from 2 submitters: Uncertain significance (2). Last evaluated 2026-03-30.

Conditions:
Cardiovascular phenotype. Identifiers: MedGen CN230736.
Capillary malformation-arteriovenous malformation syndrome. Also called: Capillary malformation-arteriovenous malformation. Identifiers: Orphanet 137667, MedGen C1842180, MONDO:0012016.

gnomAD v4.1: 4 of 1,612,966 alleles (0.00025%); highest among the groups gnomAD compares: East Asian, 0.0067%; no homozygotes.

Submissions (2):

Ambry Genetics
Classification: Uncertain significance for Cardiovascular phenotype. Last evaluated: 2026-03-30. Review status: criteria provided, single submitter. Criteria: Ambry Variant Classification Scheme 2023. Collection method: clinical testing. Allele origin: germline.
Comment: The p.T1041I variant (also known as c.3122C>T), located in coding exon 25 of the RASA1 gene, results from a C to T substitution at nucleotide position 3122. The threonine at codon 1041 is replaced by isoleucine, an amino acid with similar properties. This amino acid position is conserved. In addition, this alteration is predicted to be tolerated by in silico analysis. Based on the available evidence, the clinical significance of this variant remains unclear.

Labcorp Genetics (formerly Invitae), Labcorp
Classification: Uncertain significance for Capillary malformation-arteriovenous malformation syndrome. Last evaluated: 2024-12-11. Review status: criteria provided, single submitter. Criteria: Invitae Variant Classification Sherloc (09022015). Collection method: clinical testing. Allele origin: germline.
Comment: This sequence change replaces threonine, which is neutral and polar, with isoleucine, which is neutral and non-polar, at codon 1041 of the RASA1 protein (p.Thr1041Ile). This variant is present in population databases (rs765451479, gnomAD 0.0009%). This variant has not been reported in the literature in individuals affected with RASA1-related conditions. An algorithm developed to predict the effect of missense changes on protein structure and function (PolyPhen-2) suggests that this variant is likely to be tolerated. In summary, the available evidence is currently insufficient to determine the role of this variant in disease. Therefore, it has been classified as a Variant of Uncertain Significance.

NM_002890.3(RASA1):c.3122C>T (p.Thr1041Ile)

Genes: CCNH (cyclin H; minus strand), RASA1 (RAS p21 protein activator 1; plus strand). Cytogenetic location: 5q14.3.
Variant type: single nucleotide variant.
Coding change: c.3122C>T on transcript NM_002890.3 (MANE Select); coding-DNA position 3122, C replaced by T.
Protein change: p.Thr1041Ile; replaces threonine 1041 with isoleucine.
Molecular consequence: missense variant. On other transcripts: 3 prime UTR variant (2), non-coding transcript variant (1), intron variant (1).
Genome position (GRCh38, 1-based): chr5:87,390,861, C>T. VCF-style: chr5-87390861-C-T. GRCh37 (hg19) VCF-style: chr5-86686678-C-T.
Other names: c.2591C>T, p.Thr864Ile (NM_022650.3); c.*1999G>A (NM_001363539.2, NM_001364076.2); c.933+4183G>A (NM_001364075.2); short protein forms T1041I, T864I.
Identifiers: ClinVar variation 3603327 (VCV003603327.3).